The following is an entry in ClinVar:

NM_001267550.2(TTN):c.23986G>T (p.Ala7996Ser)

Gene: TTN (titin; minus strand). Cytogenetic location: 2q31.2.
Variant type: single nucleotide variant.
Coding change: c.23986G>T on transcript NM_001267550.2 (MANE Select); coding-DNA position 23986, G replaced by T.
Protein change: p.Ala7996Ser; replaces alanine 7996 with serine.
Molecular consequence: missense variant. On other transcripts: intron variant (3).
Genome position (GRCh38, 1-based): chr2:178,719,404, C>A on the plus strand (G>T on the coding strand, the complement: TTN is on the minus strand). VCF-style: chr2-178719404-C-A. GRCh37 (hg19) VCF-style: chr2-179584131-C-A.
Other names: c.23035G>T, p.Ala7679Ser (NM_001256850.1); c.20254G>T, p.Ala6752Ser (NM_133378.4); c.13282+18678G>T (NM_003319.4); c.13858+18678G>T (NM_133437.4); c.13657+18678G>T (NM_133432.3); short protein forms A6752S, A7679S, A7996S.
Identifiers: ClinVar variation 3233765 (VCV003233765.2), dbSNP rs879233655, ClinGen allele CA60971686.

ClinVar aggregate classification (germline): Uncertain significance (1 of 4 stars; one submission).

Allele frequency attached by ClinVar (database versions not stated): gnomAD 0.00001; TOPMed 0.00001.
gnomAD v4.1: 10 of 1,613,280 alleles (0.00062%); highest among the groups gnomAD compares: Non-Finnish European, 0.00085%; no homozygotes.

Submission:

Women's Health and Genetics/Laboratory Corporation of America, LabCorp
Classification: Uncertain significance. Last evaluated: 2024-03-26. Review status: criteria provided, single submitter. Criteria: LabCorp Variant Classification Summary - May 2015. Collection method: clinical testing. Allele origin: germline.
Comment: Variant summary: TTN c.20254G>T (p.Ala6752Ser) results in a conservative amino acid change located in the I-band region of the encoded protein sequence. Three of three in-silico tools predict a benign effect of the variant on protein function. The variant allele was found at a frequency of 4e-06 in 248722 control chromosomes (gnomAD). The available data on variant occurrences in the general population are insufficient to allow any conclusion about variant significance. To our knowledge, no occurrence of c.20254G>T in individuals affected with Limb-Girdle Muscular Dystrophy, Type 2J and no experimental evidence demonstrating its impact on protein function have been reported. No submitters have cited clinical-significance assessments for this variant to ClinVar. Based on the evidence outlined above, the variant was classified as uncertain significance.